The following is an entry in ClinVar:

NM_013266.4(CTNNA3):c.2524C>T (p.Arg842Trp)

Gene: CTNNA3 (catenin alpha 3; minus strand). Cytogenetic location: 10q21.3.
Variant type: single nucleotide variant.
Coding change: c.2524C>T on transcript NM_013266.4 (MANE Select); coding-DNA position 2524, C replaced by T.
Protein change: p.Arg842Trp; replaces arginine 842 with tryptophan.
Molecular consequence: missense variant.
Genome position (GRCh38, 1-based): chr10:65,920,494, G>A on the plus strand (C>T on the coding strand, the complement: CTNNA3 is on the minus strand). VCF-style: chr10-65920494-G-A. GRCh37 (hg19) VCF-style: chr10-67680252-G-A.
Other names: c.2524C>T, p.Arg842Trp (NM_001127384.3); short protein forms R842W.
Identifiers: ClinVar variation 541664 (VCV000541664.13), dbSNP rs199852825, ClinGen allele CA5519561.

ClinVar aggregate classification (germline): Conflicting classifications of pathogenicity. Review status: criteria provided, conflicting classifications (1 of 4 stars). 5 submissions from 5 submitters: Uncertain significance (2); Likely benign (3). Last evaluated 2026-01-13.

Conditions:
Arrhythmogenic right ventricular dysplasia 13. Also called: ARRHYTHMOGENIC RIGHT VENTRICULAR CARDIOMYOPATHY 13; Arrhythmogenic right ventricular dysplasia, familial, 13. Identifiers: MedGen C3810138, MONDO:0000908, OMIM 615616.

Allele frequency attached by ClinVar (database versions not stated): ExAC 0.00007; ESP Exome Variant Server 0.00008; gnomAD exomes 0.00009; TOPMed 0.00028; gnomAD 0.00030 and 0.00034.
gnomAD v4.1: 134 of 1,613,964 alleles (0.0083%); highest among the groups gnomAD compares: Admixed American, 0.067%; no homozygotes.

Submissions (5):

Labcorp Genetics (formerly Invitae), Labcorp
Classification: Uncertain significance for Arrhythmogenic right ventricular dysplasia 13. Last evaluated: 2026-01-13. Review status: criteria provided, single submitter. Criteria: Invitae Variant Classification Sherloc (09022015). Collection method: clinical testing. Allele origin: germline.
Comment: This sequence change replaces arginine, which is basic and polar, with tryptophan, which is neutral and slightly polar, at codon 842 of the CTNNA3 protein (p.Arg842Trp). This variant is present in population databases (rs199852825, gnomAD 0.04%), and has an allele count higher than expected for a pathogenic variant. This variant has not been reported in the literature in individuals affected with CTNNA3-related conditions. ClinVar contains an entry for this variant (Variation ID: 541664). Experimental studies and prediction algorithms are not available or were not evaluated, and the functional significance of this variant is currently unknown. In summary, the available evidence is currently insufficient to determine the role of this variant in disease. Therefore, it has been classified as a Variant of Uncertain Significance.

Ambry Genetics
Classification: Uncertain significance. Last evaluated: 2024-03-18. Review status: criteria provided, single submitter. Criteria: Ambry Variant Classification Scheme 2023. Collection method: clinical testing. Allele origin: germline.
Comment: The p.R842W variant (also known as c.2524C>T), located in coding exon 17 of the CTNNA3 gene, results from a C to T substitution at nucleotide position 2524. The arginine at codon 842 is replaced by tryptophan, an amino acid with dissimilar properties. This amino acid position is conserved. In addition, this alteration is predicted to be tolerated by in silico analysis. Since supporting evidence is limited at this time, the clinical significance of this alteration remains unclear.

Blueprint Genetics
Classification: Likely benign. Last evaluated: 2024-02-20. Review status: criteria provided, single submitter. Criteria: ACMG Guidelines, 2015. Collection method: clinical testing. Allele origin: germline.

Women's Health and Genetics/Laboratory Corporation of America, LabCorp
Classification: Likely benign. Last evaluated: 2024-01-15. Review status: criteria provided, single submitter. Criteria: LabCorp Variant Classification Summary - May 2015. Collection method: clinical testing. Allele origin: germline.

GeneDx
Classification: Likely benign. Last evaluated: 2019-08-27. Review status: criteria provided, single submitter. Criteria: GeneDx Variant Classification Process June 2021. Collection method: clinical testing. Allele origin: germline. Affected: yes.
Comment: In silico analysis, which includes protein predictors and evolutionary conservation, supports that this variant does not alter protein structure/function; Has not been previously published as pathogenic or benign to our knowledge